The following is an entry in ClinVar:

NM_001199397.3(NEK1):c.308A>C (p.Asp103Ala)

Gene: NEK1 (NIMA related kinase 1; minus strand). Cytogenetic location: 4q33.
Variant type: single nucleotide variant.
Coding change: c.308A>C on transcript NM_001199397.3 (MANE Select); coding-DNA position 308, A replaced by C.
Protein change: p.Asp103Ala; replaces aspartic acid 103 with alanine.
Molecular consequence: missense variant.
Genome position (GRCh38, 1-based): chr4:169,599,104, T>G on the plus strand (A>C on the coding strand, the complement: NEK1 is on the minus strand). VCF-style: chr4-169599104-T-G. GRCh37 (hg19) VCF-style: chr4-170520255-T-G.
Other names: c.308A>C, p.Asp103Ala (NM_001199398.3, NM_001199399.3, NM_001199400.3 and 7 more transcripts); short protein forms D103A.
Identifiers: ClinVar variation 3728732 (VCV003728732.2).

ClinVar aggregate classification (germline): Uncertain significance (1 of 4 stars; one submission).

Conditions:
Short-rib thoracic dysplasia 6 with or without polydactyly (SRTD6). Also called: SHORT RIB-POLYDACTYLY SYNDROME, TYPE IIA; Majewski Syndrome; SHORT-RIB THORACIC DYSPLASIA 6 WITH POLYDACTYLY; SHORT-RIB THORACIC DYSPLASIA 6 WITHOUT POLYDACTYLY; POLYDACTYLY WITH NEONATAL CHONDRODYSTROPHY, TYPE II. Identifiers: MedGen C0024507, MONDO:0009894, OMIM 263520.

Submission:

Labcorp Genetics (formerly Invitae), Labcorp
Classification: Uncertain significance for Short-rib thoracic dysplasia 6 with or without polydactyly. Last evaluated: 2025-03-16. Review status: criteria provided, single submitter. Criteria: Invitae Variant Classification Sherloc (09022015). Collection method: clinical testing. Allele origin: germline.
Comment: This sequence change replaces aspartic acid, which is acidic and polar, with alanine, which is neutral and non-polar, at codon 103 of the NEK1 protein (p.Asp103Ala). This variant is not present in population databases (gnomAD no frequency). This variant has not been reported in the literature in individuals affected with NEK1-related conditions. An algorithm developed to predict the effect of missense changes on protein structure and function (PolyPhen-2) suggests that this variant is likely to be disruptive. In summary, the available evidence is currently insufficient to determine the role of this variant in disease. Therefore, it has been classified as a Variant of Uncertain Significance.